The following is an entry in ClinVar:

ClinVar aggregate classification (germline): Uncertain significance (1 of 4 stars; one submission).

Allele frequency attached by ClinVar (database versions not stated): 1000 Genomes Project 30x 0.00016; ExAC 0.00021; TOPMed 0.00048; gnomAD 0.00049; ESP Exome Variant Server 0.00052; gnomAD exomes 0.00081.
gnomAD v4.1: 1,262 of 1,612,986 alleles (0.078%); highest among the groups gnomAD compares: Non-Finnish European, 0.099%; 1 homozygote.

Submission:

Women's Health and Genetics/Laboratory Corporation of America, LabCorp
Classification: Uncertain significance. Last evaluated: 2023-01-11. Review status: criteria provided, single submitter. Criteria: LabCorp Variant Classification Summary - May 2015. Collection method: clinical testing. Allele origin: germline.
Comment: Variant summary: CYP11B1 c.239+156C>T is located at a position not widely known to affect splicing. 4/4 computational tools predict no significant impact on normal splicing. However, these predictions have yet to be confirmed by functional studies. The variant allele was found at a frequency of 0.00025 in 244068 control chromosomes. This frequency is not significantly higher than expected for a pathogenic variant in CYP11B1 causing Congenital Adrenal Hyperplasia (0.00025 vs 0.002), allowing no conclusion about variant significance. To our knowledge, no occurrence of c.239+156C>T in individuals affected with Congenital Adrenal Hyperplasia and no experimental evidence demonstrating its impact on protein function have been reported. No clinical diagnostic laboratories have submitted clinical-significance assessments for this variant to ClinVar after 2014. Based on the evidence outlined above, the variant was classified as VUS-possibly benign.

NM_000497.4(CYP11B1):c.239+156C>T

Gene: CYP11B1 (cytochrome P450 family 11 subfamily B member 1; minus strand). Cytogenetic location: 8q24.3.
Variant type: single nucleotide variant.
Coding change: c.239+156C>T on transcript NM_000497.4 (MANE Select); 156 bases into the intron after coding-DNA position 239, C replaced by T.
Molecular consequence: intron variant.
Genome position (GRCh38, 1-based): chr8:142,879,419, G>A on the plus strand (C>T on the coding strand, the complement: CYP11B1 is on the minus strand). VCF-style: chr8-142879419-G-A. GRCh37 (hg19) VCF-style: chr8-143960835-G-A.
Other names: c.239+156C>T (NM_001026213.1).
Identifiers: ClinVar variation 2429154 (VCV002429154.3), dbSNP rs377291132, ClinGen allele CA4905633.